The following is an entry in ClinVar:

ClinVar aggregate classification (germline): Uncertain significance (1 of 4 stars; one submission).

Conditions:
Inborn genetic diseases. Identifiers: MedGen C0950123, MeSH D030342.

gnomAD v4.1: 17 of 1,496,936 alleles (0.0011%); highest among the groups gnomAD compares: Non-Finnish European, 0.00027%; no homozygotes.

Submission:

Ambry Genetics
Classification: Uncertain significance for Inborn genetic diseases. Last evaluated: 2024-04-21. Review status: criteria provided, single submitter. Criteria: Ambry Variant Classification Scheme 2023. Collection method: clinical testing. Allele origin: germline.
Comment: The p.F1280L variant (also known as c.3840C>A), located in coding exon 28 of the LTBP3 gene, results from a C to A substitution at nucleotide position 3840. The phenylalanine at codon 1280 is replaced by leucine, an amino acid with highly similar properties. This amino acid position is conserved. In addition, this alteration is predicted to be deleterious by in silico analysis. Based on the available evidence, the clinical significance of this variant remains unclear.

NM_001130144.3(LTBP3):c.3840C>A (p.Phe1280Leu)

Gene: LTBP3 (latent transforming growth factor beta binding protein 3; minus strand). Cytogenetic location: 11q13.1.
Variant type: single nucleotide variant.
Coding change: c.3840C>A on transcript NM_001130144.3 (MANE Select); coding-DNA position 3840, C replaced by A.
Protein change: p.Phe1280Leu; replaces phenylalanine 1280 with leucine.
Molecular consequence: missense variant.
Genome position (GRCh38, 1-based): chr11:65,539,152, G>T on the plus strand (C>A on the coding strand, the complement: LTBP3 is on the minus strand). VCF-style: chr11-65539152-G-T. GRCh37 (hg19) VCF-style: chr11-65306623-G-T.
Other names: c.3348C>A, p.Phe1116Leu (NM_001164266.1); c.3699C>A, p.Phe1233Leu (NM_021070.4); short protein forms F1116L, F1233L, F1280L.
Identifiers: ClinVar variation 3292236 (VCV003292236.1).